The following is an entry in ClinVar:

ClinVar aggregate classification (germline): Pathogenic (1 of 4 stars; one submission).

Conditions:
Hereditary cancer-predisposing syndrome. Also called: Hereditary Cancer Syndrome; Hereditary neoplastic syndrome; Neoplastic Syndromes, Hereditary; Tumor predisposition. Identifiers: Orphanet 140162, MedGen C0027672, MeSH D009386, MONDO:0015356.

Submission:

Ambry Genetics
Classification: Pathogenic for Hereditary cancer-predisposing syndrome. Last evaluated: 2025-07-03. Review status: criteria provided, single submitter. Criteria: Ambry Variant Classification Scheme 2023. Collection method: clinical testing. Allele origin: germline.
Comment: The c.127dupC pathogenic mutation, located in coding exon 1 of the CDKN1B gene, results from a duplication of C at nucleotide position 127, causing a translational frameshift with a predicted alternate stop codon (p.R43Pfs*82). This variant is considered to be rare based on population cohorts in the Genome Aggregation Database (gnomAD). This alteration is expected to result in loss of function by premature protein truncation or nonsense-mediated mRNA decay. As such, this alteration is interpreted as a disease-causing mutation.

NM_004064.5(CDKN1B):c.127dup (p.Arg43fs)

Gene: CDKN1B (cyclin dependent kinase inhibitor 1B; plus strand). Cytogenetic location: 12p13.1.
Variant type: Duplication.
Coding change: c.127dup on transcript NM_004064.5 (MANE Select); coding-DNA position 127, one base duplicated (C; older notation c.127dupC).
Protein change: p.Arg43fs; shifts the reading frame from arginine 43.
Molecular consequence: frameshift variant.
Genome position (GRCh38, 1-based): chr12:12,717,966, C duplicated; the last of 3 consecutive C bases (chr12:12,717,964-12,717,966); duplicating any one gives the same sequence. VCF-style (leftmost placement, unchanged base first): chr12-12717963-A-AC. GRCh37 (hg19) VCF-style: chr12-12870897-A-AC.
Other names: short protein forms R43fs.
Identifiers: ClinVar variation 4224736 (VCV004224736.1).
Genomic context (GRCh38, chr12:12,717,963, plus strand): 5'-GAGCACCCCAAGCCCTCGGCCTGCAGGAACCTCTTCGGCCCGGTGGACCACGAAGAGTTA[A>AC]CCCGGGACTTGGAGAAGCACTGCAGAGACATGGAAGAGGCGAGCCAGCGCAAGTGGAATT-3'